The following is an entry in ClinVar:

NM_000384.3(APOB):c.4392G>A (p.Gln1464=)

Gene: APOB (apolipoprotein B; minus strand). Cytogenetic location: 2p24.1.
Variant type: single nucleotide variant.
Coding change: c.4392G>A on transcript NM_000384.3 (MANE Select); coding-DNA position 4392, G replaced by A.
Protein change: p.Gln1464=; no amino-acid change (glutamine 1464 retained).
Molecular consequence: synonymous variant.
Genome position (GRCh38, 1-based): chr2:21,012,476, C>T on the plus strand (G>A on the coding strand, the complement: APOB is on the minus strand). VCF-style: chr2-21012476-C-T. GRCh37 (hg19) VCF-style: chr2-21235348-C-T.
Identifiers: ClinVar variation 921672 (VCV000921672.5), dbSNP rs1663352791, ClinGen allele CA425346897.
Genomic context (GRCh38, chr2:21,012,476, plus strand): 5'-GACTTCTTTGACAAACAAATGCTGTTTCTTTTTGGAGTCCAAATGAACTGAAGCAGACAT[C>T]TGTGGTCCCCAGGAACTAGATGCATCGAATATTAGTAAACCTTTTGAGACTGGGTTGTTT-3'
Protein context (NP_000375.3, residues 1454-1474): IFDASSSWGP[Gln1464=]MSASVHLDSK

ClinVar aggregate classification (germline): Likely benign. Review status: criteria provided, multiple submitters, no conflicts (2 of 4 stars). 2 submissions from 2 submitters: Likely benign (2). Last evaluated 2023-07-21.

Conditions:
Familial hypercholesterolemia. Also called: Familial hypercholesterolaemia. Identifiers: MedGen C0020445, MONDO:0005439.
Cardiovascular phenotype. Identifiers: MedGen CN230736.

Allele frequency attached by ClinVar (database versions not stated): TOPMed below 0.00001.

Submissions (2):

GENinCode PLC
Classification: Likely benign for Familial hypercholesterolemia. Last evaluated: 2023-07-21. Review status: criteria provided, single submitter. Criteria: ACMG Guidelines, 2015. Collection method: clinical testing. Allele origin: germline.
Comment: This is a synonymous (silent) variant that is not predicted by SpliceAI to impact splicing. In addition, it occurs at a nucleotide that is not conserved. Therefore this variant has been classified as Likely Benign (BP4, BP7).

Ambry Genetics
Classification: Likely benign for Cardiovascular phenotype. Last evaluated: 2018-11-28. Review status: criteria provided, single submitter. Criteria: Ambry Variant Classification Scheme 2023. Collection method: clinical testing. Allele origin: germline.